The following is an entry in ClinVar:

ClinVar aggregate classification (germline): Likely benign. Review status: criteria provided, multiple submitters, no conflicts (2 of 4 stars). 4 submissions from 4 submitters: Likely benign (4). Last evaluated 2025-04-02.

Conditions:
Dilated cardiomyopathy 1KK (CMD1KK). Identifiers: Orphanet 154, Orphanet 75249, MedGen C3714995, MONDO:0014100, OMIM 615248.
Cardiovascular phenotype. Identifiers: MedGen CN230736.

Allele frequency attached by ClinVar (database versions not stated): TOPMed 0.00003; gnomAD 0.00007 and 0.00006; 1000 Genomes Project 30x 0.00016; 1000 Genomes Project 0.00020; ExAC 0.00004; gnomAD exomes 0.00005.
gnomAD v4.1: 36 of 1,614,134 alleles (0.0022%); highest among the groups gnomAD compares: East Asian, 0.078%; no homozygotes.

Submissions (4):

Labcorp Genetics (formerly Invitae), Labcorp
Classification: Likely benign for Dilated cardiomyopathy 1KK. Last evaluated: 2025-04-02. Review status: criteria provided, single submitter. Criteria: Invitae Variant Classification Sherloc (09022015). Collection method: clinical testing. Allele origin: germline.

Blueprint Genetics
Classification: Likely benign. Last evaluated: 2019-11-12. Review status: criteria provided, single submitter. Criteria: ACMG Guidelines, 2015. Collection method: clinical testing. Allele origin: germline.

Ambry Genetics
Classification: Likely benign for Cardiovascular phenotype. Last evaluated: 2017-05-03. Review status: criteria provided, single submitter. Criteria: Ambry Variant Classification Scheme 2023. Collection method: clinical testing. Allele origin: germline.

GeneDx
Classification: Likely benign. Last evaluated: 2015-12-11. Review status: criteria provided, single submitter. Criteria: GeneDx Variant Classification (06012015). Collection method: clinical testing. Allele origin: germline. Affected: yes.
Comment: This variant is considered likely benign or benign based on one or more of the following criteria: it is a conservative change, it occurs at a poorly conserved position in the protein, it is predicted to be benign by multiple in silico algorithms, and/or has population frequency not consistent with disease.

NM_032578.4(MYPN):c.1890G>A (p.Glu630=)

Gene: MYPN (myopalladin; plus strand). Cytogenetic location: 10q21.3.
Variant type: single nucleotide variant.
Coding change: c.1890G>A on transcript NM_032578.4 (MANE Select); coding-DNA position 1890, G replaced by A.
Protein change: p.Glu630=; no amino-acid change (glutamic acid 630 retained).
Molecular consequence: synonymous variant. On other transcripts: non-coding transcript variant (2).
Genome position (GRCh38, 1-based): chr10:68,166,583, G>A. VCF-style: chr10-68166583-G-A. GRCh37 (hg19) VCF-style: chr10-69926340-G-A.
Other names: c.1890G>A, p.Glu630= (NM_001256267.2); c.1008G>A, p.Glu336= (NM_001256268.2).
Identifiers: ClinVar variation 382165 (VCV000382165.15), dbSNP rs201960380, ClinGen allele CA5522675.